The following is an entry in ClinVar:

ClinVar aggregate classification (germline): Uncertain significance (1 of 4 stars; one submission).

Conditions:
Peroxisome biogenesis disorder, complementation group K (CGK). Identifiers: MedGen C1866257, MONDO:0800365.

Allele frequency attached by ClinVar (database versions not stated): gnomAD exomes below 0.00001 and 0.00001; TOPMed below 0.00001.
gnomAD v4.1: 4 of 1,597,530 alleles (0.00025%); highest among the groups gnomAD compares: South Asian, 0.0045%; no homozygotes.

Submission:

Labcorp Genetics (formerly Invitae), Labcorp
Classification: Uncertain significance for Peroxisome biogenesis disorder, complementation group K. Last evaluated: 2021-10-25. Review status: criteria provided, single submitter. Criteria: Invitae Variant Classification Sherloc (09022015). Collection method: clinical testing. Allele origin: germline.
Comment: Algorithms developed to predict the effect of missense changes on protein structure and function (SIFT, PolyPhen-2, Align-GVGD) all suggest that this variant is likely to be tolerated. In summary, the available evidence is currently insufficient to determine the role of this variant in disease. Therefore, it has been classified as a Variant of Uncertain Significance. This variant has not been reported in the literature in individuals affected with PEX14-related conditions. This variant is not present in population databases (ExAC no frequency). This sequence change replaces proline with threonine at codon 295 of the PEX14 protein (p.Pro295Thr). The proline residue is weakly conserved and there is a small physicochemical difference between proline and threonine.

NM_004565.3(PEX14):c.883C>A (p.Pro295Thr)

Gene: PEX14 (peroxisomal biogenesis factor 14; plus strand). Cytogenetic location: 1p36.22.
Variant type: single nucleotide variant.
Coding change: c.883C>A on transcript NM_004565.3 (MANE Select); coding-DNA position 883, C replaced by A.
Protein change: p.Pro295Thr; replaces proline 295 with threonine.
Molecular consequence: missense variant.
Genome position (GRCh38, 1-based): chr1:10,629,736, C>A. VCF-style: chr1-10629736-C-A. GRCh37 (hg19) VCF-style: chr1-10689793-C-A.
Other names: short protein forms P295T.
Identifiers: ClinVar variation 1357630 (VCV001357630.6), dbSNP rs886045017, ClinGen allele CA338338983.